The following is an entry in ClinVar:

ClinVar aggregate classification (germline): Uncertain significance (1 of 4 stars; one submission).

Submission:

Women's Health and Genetics/Laboratory Corporation of America, LabCorp
Classification: Uncertain significance. Last evaluated: 2024-09-24. Review status: criteria provided, single submitter. Criteria: LabCorp Variant Classification Summary - May 2015. Collection method: clinical testing. Allele origin: germline.
Comment: Variant summary: SGCG c.647G>A (p.Gly216Glu) results in a non-conservative amino acid change in the encoded protein sequence. Five of five in-silico tools predict a damaging effect of the variant on protein function. The variant was absent in 250332 control chromosomes. The available data on variant occurrences in the general population are insufficient to allow any conclusion about variant significance. To our knowledge, no occurrence of c.647G>A in individuals affected with Limb-Girdle Muscular Dystrophy, Autosomal Recessive and no experimental evidence demonstrating its impact on protein function have been reported. No submitters have cited clinical-significance assessments for this variant to ClinVar. Based on the evidence outlined above, the variant was classified as uncertain significance.

NM_000231.3(SGCG):c.647G>A (p.Gly216Glu)

Gene: SGCG (sarcoglycan gamma; plus strand). Cytogenetic location: 13q12.12.
Variant type: single nucleotide variant.
Coding change: c.647G>A on transcript NM_000231.3 (MANE Select); coding-DNA position 647, G replaced by A.
Protein change: p.Gly216Glu; replaces glycine 216 with glutamic acid.
Molecular consequence: missense variant.
Genome position (GRCh38, 1-based): chr13:23,320,705, G>A. VCF-style: chr13-23320705-G-A. GRCh37 (hg19) VCF-style: chr13-23894844-G-A.
Other names: c.701G>A, p.Gly234Glu (NM_001378244.1); c.647G>A, p.Gly216Glu (NM_001378245.1, NM_001378246.1); short protein forms G216E, G234E.
Identifiers: ClinVar variation 3375265 (VCV003375265.1).